The following is an entry in ClinVar:

ClinVar aggregate classification (germline): Conflicting classifications of pathogenicity. Review status: criteria provided, conflicting classifications (1 of 4 stars). 8 submissions from 7 submitters: Uncertain significance (3); Benign (1); Likely benign (4). Last evaluated 2026-05-13.

Conditions:
Hereditary cancer-predisposing syndrome. Also called: Tumor predisposition; Hereditary neoplastic syndrome; Neoplastic Syndromes, Hereditary; Hereditary Cancer Syndrome. Identifiers: Orphanet 140162, MedGen C0027672, MeSH D009386, MONDO:0015356.
Cardiovascular phenotype. Identifiers: MedGen CN230736.
Neurofibromatosis, familial spinal (FSNF). Identifiers: Orphanet 636, MedGen C1834235, MONDO:0008078, OMIM 162210. Disease mechanism: loss of function.
Neurofibromatosis-Noonan syndrome (NFNS). Also called: NEUROFIBROMATOSIS WITH NOONAN PHENOTYPE. Identifiers: Orphanet 638, MedGen C2931482, MONDO:0011035, OMIM 601321. Disease mechanism: loss of function.
Café-au-lait macules with pulmonary stenosis (WTSN). Also called: PULMONIC STENOSIS WITH CAFE-AU-LAIT SPOTS. Identifiers: MedGen C0553586, MONDO:0008672, OMIM 193520.
Juvenile myelomonocytic leukemia (JMML). Also called: LEUKEMIA, JUVENILE MYELOMONOCYTIC, SOMATIC. Identifiers: Orphanet 86834, MedGen C0349639, MONDO:0011908, OMIM 607785, HP:0012209.
Neurofibromatosis, type 1 (NF1). Also called: Neurofibromatosis, type I; NEUROFIBROMATOSIS, TYPE I, SOMATIC; VON RECKLINGHAUSEN DISEASE; Peripheral type neurofibromatosis. Identifiers: Orphanet 636, MedGen C0027831, MONDO:0018975, OMIM 162200. Disease mechanism: loss of function.

Submissions (8):

Myriad Genetics, Inc.
Classification: Likely benign for Neurofibromatosis, type 1. Last evaluated: 2026-05-13. Review status: criteria provided, single submitter. Criteria: Myriad Autosomal Dominant, Autosomal Recessive and X-Linked Classification Criteria (2023). Collection method: clinical testing. Allele origin: unknown.
Comment: This variant is considered likely benign. This variant has been observed at a population frequency that is significantly greater than expected given the associated disease prevalence and penetrance.

Labcorp Genetics (formerly Invitae), Labcorp
Classification: Likely benign for Neurofibromatosis, type 1. Last evaluated: 2026-01-16. Review status: criteria provided, single submitter. Criteria: Invitae Variant Classification Sherloc (09022015). Collection method: clinical testing. Allele origin: germline.

Revvity Omics, Revvity
Classification: Uncertain significance. Last evaluated: 2025-04-15. Review status: criteria provided, single submitter. Criteria: ACMG Guidelines, 2015. Collection method: clinical testing. Allele origin: germline.

Quest Diagnostics Nichols Institute San Juan Capistrano
Classification: Likely benign. Last evaluated: 2024-12-01. Review status: criteria provided, single submitter. Criteria: Quest Diagnostics criteria. Collection method: clinical testing. Allele origin: unknown.

Fulgent Genetics
Classification: Uncertain significance for Neurofibromatosis, type 1; Neurofibromatosis, familial spinal; Café-au-lait macules with pulmonary stenosis; Neurofibromatosis-Noonan syndrome; Juvenile myelomonocytic leukemia. Last evaluated: 2024-06-12. Review status: criteria provided, single submitter. Criteria: ACMG Guidelines, 2015. Collection method: clinical testing. Allele origin: germline.

Ambry Genetics
Classification: Benign for Cardiovascular phenotype; Hereditary cancer-predisposing syndrome. Last evaluated: 2022-08-31. Review status: criteria provided, single submitter. Criteria: Ambry Variant Classification Scheme 2023. Collection method: clinical testing. Allele origin: germline.

GeneDx
Classification: Likely benign. Last evaluated: 2019-07-22. Review status: criteria provided, single submitter. Criteria: GeneDx Variant Classification Process June 2021. Collection method: clinical testing. Allele origin: germline. Affected: yes.
Comment: In-frame deletion of 1 amino acids in a non-repeat region; In silico analysis, which includes protein predictors and evolutionary conservation, supports a deleterious effect; This variant is associated with the following publications: (PMID: 23047742)

Ambry Genetics
Classification: Uncertain significance for Hereditary cancer-predisposing syndrome. Last evaluated: 2014-10-15. Review status: criteria provided, single submitter. Criteria: Ambry Autosomal Dominant and X-Linked criteria (10/2015). Collection method: clinical testing. Allele origin: germline. Observed: 1 variant allele.
Comment: The c.7387_7389delCTT variant (also known as p.L2463DEL) located in coding exon 50 of the NF1 gene. This variant results from an in-frame CTT deletion between nucleotide positions 7387 and 7389. This results in the loss of a single leucine residue at codon 2463. In one study, a review of patient reports in the literature, research mutation databases, and unpublished cases described this variant in one individual with a NF1-Noonan syndrome phenotype (<span data-redactor="verified" style="background-color: initial;">Ben-Shachar S et al. Eur. J. Hum. Genet. 2013 May; 21(5):535-9).<span data-redactor="verified" style="background-color: initial;">This variant was not reported in population based cohorts in the following databases: Database of Single Nucleotide Polymorphisms (dbSNP), NHLBI Exome Sequencing Project (ESP), and 1000 Genomes Project. In the ESP, this variant was not observed in 6503 samples (13006 alleles) with coverage at this position.<span style="background-color: initial;">To date, this alteration has been detected with an allele frequency of approximately 0.02% (greater than 11000 alleles tested) in our clinical cohort. <span data-redactor="verified" style="background-color: initial;">This amino acid position is highly conserved in available higher vertebrate species.<span data-redactor="verified" style="background-color: initial;">Since supporting evidence is limited at this time, the clinical significance of<span data-redactor="verified" style="background-color: initial;">c.7387_7389delCTT<span data-redactor="verified" style="background-color: initial;">remains unclear.

Literature cited by the submitters: PubMed 23047742 (cited by Ambry Genetics).

NM_001042492.3(NF1):c.7381CTT[2] (p.Leu2463del)

Gene: NF1 (neurofibromin 1; plus strand). Cytogenetic location: 17q11.2.
Variant type: Microsatellite.
Coding change: c.7381CTT[2] on transcript NM_001042492.3 (MANE Select); two copies in a row of the 3-base unit CTT starting at c.7381; the reference has three copies in a row; one copy, 3 bases deleted.
Protein change: p.Leu2463del; deletes leucine 2463.
Molecular consequence: inframe deletion. On other transcripts: inframe indel (2).
Genome position (GRCh38, 1-based): chr17:31,350,248-31,350,250, CTT deleted; deleting any 3 consecutive bases within chr17:31,350,242-31,350,250 gives the same sequence; the position shown is the placement nearest the transcript's 3' end. VCF-style (leftmost placement, unchanged base first): chr17-31350241-ACTT-A. GRCh37 (hg19) VCF-style: chr17-29677259-ACTT-A.
Other names: c.7318_7320CTT[2], p.Leu2442del (NM_000267.4); c.7387_7389delCTT (NM_001042492.2); c.7324_7326delCTT (NM_000267.3); c.7324_7326del (NM_000267.3); short protein forms L2442del, L2463del.
Identifiers: ClinVar variation 186743 (VCV000186743.22), dbSNP rs786203184, ClinGen allele CA195733.
Genomic context (GRCh38, chr17:31,350,241, plus strand): 5'-AGCTTTACTTACAGTGTCTGAAGAAGTTCGAAGTCGCTGCAGCCTAAAACATAGAAAGTC[ACTT>A]CTTCTTACTGATATTTCAATGGAAAATGTTCCTATGGATACATATCCCATTCATCATGGT-3'